The following is an entry in ClinVar:

NM_001367624.2(ZNF469):c.2814G>A (p.Ala938=)

Gene: ZNF469 (zinc finger protein 469; plus strand). Cytogenetic location: 16q24.2.
Variant type: single nucleotide variant.
Coding change: c.2814G>A on transcript NM_001367624.2 (MANE Select); coding-DNA position 2814, G replaced by A.
Protein change: p.Ala938=; no amino-acid change (alanine 938 retained).
Molecular consequence: synonymous variant.
Genome position (GRCh38, 1-based): chr16:88,430,284, G>A. VCF-style: chr16-88430284-G-A. GRCh37 (hg19) VCF-style: chr16-88496692-G-A.
Other names: NM_001127464.1:c.2814G>A; NM_001127464.2:c.2814G>A; p.Ala938=.
Identifiers: ClinVar variation 286550 (VCV000286550.65), dbSNP rs140480823, ClinGen allele CA8224806.

ClinVar aggregate classification (germline): Benign/Likely benign. Review status: criteria provided, multiple submitters, no conflicts (2 of 4 stars). 11 submissions from 11 submitters: Benign (9); Likely benign (2). Last evaluated 2026-09-01.

Conditions:
Cardiovascular phenotype. Identifiers: MedGen CN230736.
Ehlers-Danlos syndrome (EDS). Identifiers: Orphanet 98249, MedGen C0013720, MONDO:0020066.
Brittle cornea syndrome 1 (BCS1). Also called: Corneal fragility keratoglobus, blue sclerae AND joint hypermobility; DYSGENESIS MESODERMALIS CORNEAE ET SCLERAE; CORNEAL FRAGILITY, KERATOGLOBUS, BLUE SCLERAE, JOINT HYPEREXTENSIBILITY; EDS6B; FRAGILITAS OCULI WITH JOINT HYPEREXTENSIBILITY. Identifiers: Orphanet 90354, MedGen C0268344, MONDO:0024543, OMIM 229200.

Allele frequency attached by ClinVar (database versions not stated): 1000 Genomes Project 0.00359; 1000 Genomes Project 30x 0.00359; ExAC 0.00656; TOPMed 0.00867; gnomAD 0.00907 and 0.00931.
gnomAD v4.1: 17,750 of 1,514,324 alleles (1.2%); highest among the groups gnomAD compares: Non-Finnish European, 1.4%; 124 homozygotes.

Submissions (11):

CeGaT Center for Human Genetics Tuebingen
Classification: Benign. Last evaluated: 2026-09-01. Review status: criteria provided, single submitter. Criteria: CeGaT Center For Human Genetics Tuebingen Variant Classification Criteria Version 2. Collection method: clinical testing. Allele origin: germline. Affected: yes. Observed: 46 variant alleles.
Comment: ZNF469: BP4, BP7, BS1, BS2

Women's Health and Genetics/Laboratory Corporation of America, LabCorp
Classification: Benign. Last evaluated: 2026-04-15. Review status: criteria provided, single submitter. Criteria: LabCorp Variant Classification Summary - May 2015. Collection method: clinical testing. Allele origin: germline.

Labcorp Genetics (formerly Invitae), Labcorp
Classification: Benign. Last evaluated: 2026-02-04. Review status: criteria provided, single submitter. Criteria: Invitae Variant Classification Sherloc (09022015). Collection method: clinical testing. Allele origin: germline.

Blueprint Genetics
Classification: Likely benign. Last evaluated: 2024-11-26. Review status: criteria provided, single submitter. Criteria: ACMG Guidelines, 2015. Collection method: clinical testing. Allele origin: germline.

Mayo Clinic Laboratories, Mayo Clinic
Classification: Benign. Last evaluated: 2024-02-15. Review status: criteria provided, single submitter. Criteria: ACMG Guidelines, 2015. Collection method: clinical testing. Allele origin: germline. Observed: 84 variant alleles.
Comment: BS1, BS2, BP4, BP7

Genome Diagnostics Laboratory, The Hospital for Sick Children
Classification: Benign for Ehlers-Danlos syndrome. Last evaluated: 2022-04-14. Review status: criteria provided, single submitter. Criteria: ACMG Guidelines, 2015. Collection method: clinical testing. Allele origin: germline.

Genome-Nilou Lab
Classification: Benign for Brittle cornea syndrome 1. Last evaluated: 2021-12-05. Review status: criteria provided, single submitter. Criteria: ACMG Guidelines, 2015. Collection method: clinical testing. Allele origin: germline. Affected: no.

Ambry Genetics
Classification: Benign for Cardiovascular phenotype. Last evaluated: 2019-02-06. Review status: criteria provided, single submitter. Criteria: Ambry Variant Classification Scheme 2023. Collection method: clinical testing. Allele origin: germline.

GeneDx
Classification: Benign. Last evaluated: 2018-05-08. Review status: criteria provided, single submitter. Criteria: GeneDx Variant Classification Process June 2021. Collection method: clinical testing. Allele origin: germline. Affected: yes.

Eurofins Ntd Llc (ga)
Classification: Benign. Last evaluated: 2016-03-03. Review status: criteria provided, single submitter. Criteria: EGL Classification Definitions 2015. Collection method: clinical testing. Allele origin: germline. Observed: 2 variant alleles, 2 heterozygotes.

Breakthrough Genomics
Classification: Likely benign. Review status: criteria provided, single submitter. Criteria: ACMG Guidelines, 2015. Collection method: not provided. Allele origin: germline. Inheritance: Autosomal recessive inheritance. Affected: yes.